The following is an entry in ClinVar:

ClinVar aggregate classification (germline): Conflicting classifications of pathogenicity. Review status: criteria provided, conflicting classifications (1 of 4 stars). 6 submissions from 6 submitters: Uncertain significance (1); Benign (5). Last evaluated 2026-06-01.

Conditions:
Autosomal recessive nonsyndromic hearing loss 9. Also called: NEUROSENSORY NONSYNDROMIC RECESSIVE DEAFNESS 9; Deafness, autosomal recessive 9; OTOF-Related Hearing Loss; AUDITORY NEUROPATHY, AUTOSOMAL RECESSIVE, 1, TEMPERATURE-SENSITIVE. Identifiers: Orphanet 90636, MedGen C1832828, MONDO:0010986, OMIM 601071.

Allele frequency attached by ClinVar (database versions not stated): ExAC 0.00864; gnomAD exomes 0.00974 and 0.00720; 1000 Genomes Project 30x 0.00297; 1000 Genomes Project 0.00300; TOPMed 0.00496; ESP Exome Variant Server 0.00607; gnomAD 0.00669 and 0.00684.
gnomAD v4.1: 13,008 of 1,383,832 alleles (0.94%); highest among the groups gnomAD compares: Non-Finnish European, 1.1%; 64 homozygotes.

Submissions (6):

CeGaT Center for Human Genetics Tuebingen
Classification: Benign. Last evaluated: 2026-06-01. Review status: criteria provided, single submitter. Criteria: CeGaT Center For Human Genetics Tuebingen Variant Classification Criteria Version 2. Collection method: clinical testing. Allele origin: germline. Affected: yes. Observed: 11 variant alleles.
Comment: OTOF: BS1, BS2

Labcorp Genetics (formerly Invitae), Labcorp
Classification: Benign. Last evaluated: 2026-02-02. Review status: criteria provided, single submitter. Criteria: Invitae Variant Classification Sherloc (09022015). Collection method: clinical testing. Allele origin: germline.

GeneDx
Classification: Benign. Last evaluated: 2019-06-18. Review status: criteria provided, single submitter. Criteria: GeneDx Variant Classification Process June 2021. Collection method: clinical testing. Allele origin: germline. Affected: yes.

Illumina Laboratory Services, Illumina
Classification: Uncertain significance for Autosomal recessive nonsyndromic hearing loss 9. Last evaluated: 2018-01-12. Review status: criteria provided, single submitter. Criteria: ICSL Variant Classification Criteria 13 December 2019. Collection method: clinical testing. Allele origin: germline.

Laboratory for Molecular Medicine, Mass General Brigham Personalized Medicine
Classification: Benign. Last evaluated: 2011-02-24. Review status: criteria provided, single submitter. Criteria: LMM Criteria. Collection method: clinical testing. Allele origin: germline. Observed: 31 variant alleles.
Comment: This variant has not been reported in the literature, but it has now been identi fied in our laboratory in five individuals (5/265 or 1.9% of cases), none of who m have auditory neuropathy and three of whom have pathogenic variants in other g enes suggestive of another cause of hearing loss. In summary, the available data suggests this variant is benign.

PreventionGenetics, part of Exact Sciences
Classification: Benign. Review status: criteria provided, single submitter. Criteria: ACMG Guidelines, 2015. Collection method: clinical testing. Allele origin: germline.

NM_194248.3(OTOF):c.5558G>A (p.Arg1853Gln)

Gene: OTOF (otoferlin; minus strand). Cytogenetic location: 2p23.3.
Variant type: single nucleotide variant.
Coding change: c.5558G>A on transcript NM_194248.3 (MANE Select); coding-DNA position 5558, G replaced by A.
Protein change: p.Arg1853Gln; replaces arginine 1853 with glutamine.
Molecular consequence: missense variant.
Genome position (GRCh38, 1-based): chr2:26,461,006, C>T on the plus strand (G>A on the coding strand, the complement: OTOF is on the minus strand). VCF-style: chr2-26461006-C-T. GRCh37 (hg19) VCF-style: chr2-26683874-C-T.
Other names: c.5558G>A, p.Arg1853Gln (NM_001287489.2); c.3257G>A, p.Arg1086Gln (NM_004802.4, NM_194323.3); c.3488G>A, p.Arg1163Gln (NM_194322.3); short protein forms R1853Q, R1086Q, R1163Q.
Identifiers: ClinVar variation 48262 (VCV000048262.44), dbSNP rs111033329, ClinGen allele CA142936.